The following is an entry in ClinVar:

ClinVar aggregate classification (germline): Uncertain significance (1 of 4 stars; one submission).

Allele frequency attached by ClinVar (database versions not stated): TOPMed below 0.00001; gnomAD 0.00001; gnomAD exomes below 0.00001.
gnomAD v4.1: 2 of 1,613,500 alleles (0.00012%); highest among the groups gnomAD compares: Non-Finnish European, 0.00017%; no homozygotes.

Submission:

Labcorp Genetics (formerly Invitae), Labcorp
Classification: Uncertain significance. Last evaluated: 2021-04-03. Review status: criteria provided, single submitter. Criteria: Invitae Variant Classification Sherloc (09022015). Collection method: clinical testing. Allele origin: germline.
Comment: In summary, the available evidence is currently insufficient to determine the role of this variant in disease. Therefore, it has been classified as a Variant of Uncertain Significance. Advanced modeling of protein sequence and biophysical properties (such as structural, functional, and spatial information, amino acid conservation, physicochemical variation, residue mobility, and thermodynamic stability) performed at Invitae indicates that this missense variant is not expected to disrupt ROR2 protein function. This variant has not been reported in the literature in individuals with ROR2-related conditions. This variant is present in population databases (rs199840505, ExAC 0.002%). This sequence change replaces alanine with aspartic acid at codon 943 of the ROR2 protein (p.Ala943Asp). The alanine residue is highly conserved and there is a moderate physicochemical difference between alanine and aspartic acid.

NM_004560.4(ROR2):c.2828C>A (p.Ala943Asp)

Gene: ROR2 (receptor tyrosine kinase like orphan receptor 2; minus strand). Cytogenetic location: 9q22.31.
Variant type: single nucleotide variant.
Coding change: c.2828C>A on transcript NM_004560.4 (MANE Select); coding-DNA position 2828, C replaced by A.
Protein change: p.Ala943Asp; replaces alanine 943 with aspartic acid.
Molecular consequence: missense variant.
Genome position (GRCh38, 1-based): chr9:91,723,666, G>T on the plus strand (C>A on the coding strand, the complement: ROR2 is on the minus strand). VCF-style: chr9-91723666-G-T. GRCh37 (hg19) VCF-style: chr9-94485948-G-T.
Other names: short protein forms A943D.
Identifiers: ClinVar variation 1477913 (VCV001477913.8), dbSNP rs199840505, ClinGen allele CA5120301.